The following is an entry in ClinVar:

ClinVar aggregate classification (germline): Uncertain significance. Review status: criteria provided, multiple submitters, no conflicts (2 of 4 stars). 2 submissions from 2 submitters: Uncertain significance (2). Last evaluated 2026-08-06.

Conditions:
Hypertrophic cardiomyopathy 14. Identifiers: MedGen C2750467, MONDO:0013197, OMIM 613251.
MYH6-related disorder. Also called: MYH6-related condition; MYH6-Related Disorders.

Allele frequency attached by ClinVar (database versions not stated): TOPMed below 0.00001; gnomAD 0.00001 and 0.00002; gnomAD exomes 0.00001.

Submissions (2):

PreventionGenetics, part of Exact Sciences
Classification: Uncertain significance for MYH6-related condition. Last evaluated: 2026-08-06. Review status: criteria provided, single submitter. Criteria: ACMG Guidelines, 2015. Collection method: clinical testing. Allele origin: germline.
Comment: The MYH6 c.2462G>A variant is predicted to result in the amino acid substitution p.Arg821Gln. This variant has been reported in an individual with atrial septal defects (Dataset S4, Sierant et al. 2025. PubMed ID: 40127276). This variant is reported in 0.0065% of alleles in individuals of European (Non-Finnish) descent in gnomAD. At this time, the clinical significance of this variant is uncertain due to the absence of conclusive functional and genetic evidence.

Labcorp Genetics (formerly Invitae), Labcorp
Classification: Uncertain significance for Hypertrophic cardiomyopathy 14. Last evaluated: 2021-04-30. Review status: criteria provided, single submitter. Criteria: Invitae Variant Classification Sherloc (09022015). Collection method: clinical testing. Allele origin: germline.
Comment: In summary, the available evidence is currently insufficient to determine the role of this variant in disease. Therefore, it has been classified as a Variant of Uncertain Significance. Algorithms developed to predict the effect of missense changes on protein structure and function are either unavailable or do not agree on the potential impact of this missense change (SIFT: "Deleterious"; PolyPhen-2: "Probably Damaging"; Align-GVGD: "Class C0"). This variant has not been reported in the literature in individuals with MYH6-related conditions. This variant is not present in population databases (ExAC no frequency). This sequence change replaces arginine with glutamine at codon 821 of the MYH6 protein (p.Arg821Gln). The arginine residue is weakly conserved and there is a small physicochemical difference between arginine and glutamine.

NM_002471.4(MYH6):c.2462G>A (p.Arg821Gln)

Gene: MYH6 (myosin heavy chain 6; minus strand). Cytogenetic location: 14q11.2.
Variant type: single nucleotide variant.
Coding change: c.2462G>A on transcript NM_002471.4 (MANE Select); coding-DNA position 2462, G replaced by A.
Protein change: p.Arg821Gln; replaces arginine 821 with glutamine.
Molecular consequence: missense variant.
Genome position (GRCh38, 1-based): chr14:23,394,291, C>T on the plus strand (G>A on the coding strand, the complement: MYH6 is on the minus strand). VCF-style: chr14-23394291-C-T. GRCh37 (hg19) VCF-style: chr14-23863500-C-T.
Other names: c.2462G>A (NM_002471.3); short protein forms R821Q.
Identifiers: ClinVar variation 1468367 (VCV001468367.9), dbSNP rs1182211881, ClinGen allele CA389014773.